The following is an entry in ClinVar:

NM_177924.5(ASAH1):c.126-1835G>T

Gene: ASAH1 (N-acylsphingosine amidohydrolase 1; minus strand). Cytogenetic location: 8p22.
Variant type: single nucleotide variant.
Coding change: c.126-1835G>T on transcript NM_177924.5 (MANE Select); 1835 bases into the intron before coding-DNA position 126, G replaced by T.
Molecular consequence: intron variant.
Genome position (GRCh38, 1-based): chr8:18,073,225, C>A on the plus strand (G>T on the coding strand, the complement: ASAH1 is on the minus strand). VCF-style: chr8-18073225-C-A. GRCh37 (hg19) VCF-style: chr8-17930734-C-A.
Other names: c.174-1835G>T (NM_004315.6); c.194+31G>T (NM_001127505.3); c.-70-1835G>T (NM_001363743.2).
Identifiers: ClinVar variation 678022 (VCV000678022.2), dbSNP rs7461977, ClinGen allele CA4651034.

ClinVar aggregate classification (germline): Benign. Review status: criteria provided, multiple submitters, no conflicts (2 of 4 stars). 2 submissions from 2 submitters: Benign (2). Last evaluated 2018-06-19.

Allele frequency attached by ClinVar (database versions not stated): 1000 Genomes Project 30x 0.41599; 1000 Genomes Project 0.41633; ESP Exome Variant Server 0.41741; gnomAD 0.42044 and 0.42547; TOPMed 0.43124; ExAC 0.45537; gnomAD exomes 0.45935 and 0.46333.
gnomAD v4.1: 662,113 of 1,453,046 alleles (46%); highest among the groups gnomAD compares: Admixed American, 59%; 161,748 homozygotes.

Submissions (2):

GeneDx
Classification: Benign. Last evaluated: 2018-06-19. Review status: criteria provided, single submitter. Criteria: GeneDx Variant Classification (06012015). Collection method: clinical testing. Allele origin: germline. Affected: yes.
Comment: This variant is considered likely benign or benign based on one or more of the following criteria: it is a conservative change, it occurs at a poorly conserved position in the protein, it is predicted to be benign by multiple in silico algorithms, and/or has population frequency not consistent with disease.

Breakthrough Genomics
Classification: Benign. Review status: criteria provided, single submitter. Criteria: ACMG Guidelines, 2015. Collection method: not provided. Allele origin: germline. Inheritance: Autosomal recessive inheritance. Affected: yes.